The following is an entry in ClinVar:

NM_207111.4(RNF216):c.206A>G (p.Asn69Ser)

Gene: RNF216 (ring finger protein 216; minus strand). Cytogenetic location: 7p22.1.
Variant type: single nucleotide variant.
Coding change: c.206A>G on transcript NM_207111.4 (MANE Select); coding-DNA position 206, A replaced by G.
Protein change: p.Asn69Ser; replaces asparagine 69 with serine.
Molecular consequence: missense variant. On other transcripts: intron variant (2).
Genome position (GRCh38, 1-based): chr7:5,741,811, T>C on the plus strand (A>G on the coding strand, the complement: RNF216 is on the minus strand). VCF-style: chr7-5741811-T-C. GRCh37 (hg19) VCF-style: chr7-5781442-T-C.
Other names: c.202-167A>G (NM_207116.3, NM_001377156.1); c.206A>G (NM_207111.3); short protein forms N69S.
Identifiers: ClinVar variation 2414265 (VCV002414265.7), dbSNP rs758182400, ClinGen allele CA366737804.

ClinVar aggregate classification (germline): Uncertain significance. Review status: criteria provided, multiple submitters, no conflicts (2 of 4 stars). 2 submissions from 2 submitters: Uncertain significance (2). Last evaluated 2024-04-20.

Conditions:
Inborn genetic diseases. Identifiers: MedGen C0950123, MeSH D030342.

Allele frequency attached by ClinVar (database versions not stated): gnomAD 0.00002; TOPMed 0.00002.
gnomAD v4.1: 7 of 1,592,018 alleles (0.00044%); highest among the groups gnomAD compares: African/African-American, 0.0054%; no homozygotes.

Submissions (2):

Ambry Genetics
Classification: Uncertain significance for Inborn genetic diseases. Last evaluated: 2024-04-20. Review status: criteria provided, single submitter. Criteria: Ambry Variant Classification Scheme 2023. Collection method: clinical testing. Allele origin: germline.

Labcorp Genetics (formerly Invitae), Labcorp
Classification: Uncertain significance. Last evaluated: 2022-11-08. Review status: criteria provided, single submitter. Criteria: Invitae Variant Classification Sherloc (09022015). Collection method: clinical testing. Allele origin: germline.
Comment: This variant is present in population databases (no rsID available, gnomAD 0.02%). This sequence change replaces asparagine, which is neutral and polar, with serine, which is neutral and polar, at codon 69 of the RNF216 protein (p.Asn69Ser). Algorithms developed to predict the effect of missense changes on protein structure and function output the following: SIFT: "Tolerated"; PolyPhen-2: "Benign"; Align-GVGD: "Class C0". The serine amino acid residue is found in multiple mammalian species, which suggests that this missense change does not adversely affect protein function. This variant has not been reported in the literature in individuals affected with RNF216-related conditions. In summary, the available evidence is currently insufficient to determine the role of this variant in disease. Therefore, it has been classified as a Variant of Uncertain Significance.